The following is an entry in ClinVar:

ClinVar aggregate classification (germline): Uncertain significance (1 of 4 stars; one submission).

Conditions:
Aicardi-Goutieres syndrome 6 (AGS6). Identifiers: Orphanet 51, MedGen C3539013, MONDO:0014007, OMIM 615010.
Symmetrical dyschromatosis of extremities (DSH). Also called: RETICULATE ACROPIGMENTATION OF DOHI; SYMMETRIC DYSCHROMATOSIS OF THE EXTREMITIES; DYSCHROMATOSIS SYMMETRICA HEREDITARIA 1; Dyschromatosis symmetrica hereditaria. Identifiers: Orphanet 41, MedGen C0406775, MONDO:0007483, OMIM 127400.

Allele frequency attached by ClinVar (database versions not stated): ExAC 0.00001; TOPMed 0.00001.

Submission:

Labcorp Genetics (formerly Invitae), Labcorp
Classification: Uncertain significance for Aicardi-Goutieres syndrome 6; Symmetrical dyschromatosis of extremities. Last evaluated: 2024-03-01. Review status: criteria provided, single submitter. Criteria: Invitae Variant Classification Sherloc (09022015). Collection method: clinical testing. Allele origin: germline.
Comment: This sequence change replaces serine, which is neutral and polar, with threonine, which is neutral and polar, at codon 1114 of the ADAR protein (p.Ser1114Thr). This variant is present in population databases (rs761821759, gnomAD no frequency). This variant has not been reported in the literature in individuals affected with ADAR-related conditions. ClinVar contains an entry for this variant (Variation ID: 2009532). Advanced modeling of protein sequence and biophysical properties (such as structural, functional, and spatial information, amino acid conservation, physicochemical variation, residue mobility, and thermodynamic stability) has been performed at Invitae for this missense variant, however the output from this modeling did not meet the statistical confidence thresholds required to predict the impact of this variant on ADAR protein function. In summary, the available evidence is currently insufficient to determine the role of this variant in disease. Therefore, it has been classified as a Variant of Uncertain Significance.

NM_001111.5(ADAR):c.3340T>A (p.Ser1114Thr)

Gene: ADAR (adenosine deaminase RNA specific; minus strand). Cytogenetic location: 1q21.3.
Variant type: single nucleotide variant.
Coding change: c.3340T>A on transcript NM_001111.5 (MANE Select); coding-DNA position 3340, T replaced by A.
Protein change: p.Ser1114Thr; replaces serine 1114 with threonine.
Molecular consequence: missense variant.
Genome position (GRCh38, 1-based): chr1:154,585,320, A>T on the plus strand (T>A on the coding strand, the complement: ADAR is on the minus strand). VCF-style: chr1-154585320-A-T. GRCh37 (hg19) VCF-style: chr1-154557796-A-T.
Other names: c.2455T>A, p.Ser819Thr (NM_001025107.3, NM_001193495.2, NM_001365046.1 and 2 more transcripts); c.3367T>A, p.Ser1123Thr (NM_001365045.1); c.2377T>A, p.Ser793Thr (NM_001365049.1); c.3262T>A, p.Ser1088Thr (NM_015840.4); c.3205T>A, p.Ser1069Thr (NM_015841.4); short protein forms S1114T, S1123T, S1088T, S819T, S1069T, S793T.
Identifiers: ClinVar variation 2009532 (VCV002009532.4), dbSNP rs761821759, ClinGen allele CA1130970.